The following is an entry in ClinVar:

NM_013296.5(GPSM2):c.953+11C>T

Gene: GPSM2 (G protein signaling modulator 2; plus strand). Cytogenetic location: 1p13.3.
Variant type: single nucleotide variant.
Coding change: c.953+11C>T on transcript NM_013296.5 (MANE Select); 11 bases into the intron after coding-DNA position 953, C replaced by T.
Molecular consequence: intron variant.
Genome position (GRCh38, 1-based): chr1:108,901,956, C>T. VCF-style: chr1-108901956-C-T. GRCh37 (hg19) VCF-style: chr1-109444578-C-T.
Other names: c.953+11C>T (NM_001321038.2, NM_001321039.3).
Identifiers: ClinVar variation 512618 (VCV000512618.5), dbSNP rs372955306, ClinGen allele CA982918.

ClinVar aggregate classification (germline): Likely benign. Review status: criteria provided, multiple submitters, no conflicts (2 of 4 stars). 2 submissions from 2 submitters: Likely benign (2). Last evaluated 2022-09-06.

Allele frequency attached by ClinVar (database versions not stated): gnomAD exomes 0.00002 and 0.00004; ExAC 0.00003; TOPMed 0.00011; gnomAD 0.00013 and 0.00014; ESP Exome Variant Server 0.00015.
gnomAD v4.1: 54 of 1,586,598 alleles (0.0034%); highest among the groups gnomAD compares: African/African-American, 0.039%; no homozygotes.

Submissions (2):

Labcorp Genetics (formerly Invitae), Labcorp
Classification: Likely benign. Last evaluated: 2022-09-06. Review status: criteria provided, single submitter. Criteria: Invitae Variant Classification Sherloc (09022015). Collection method: clinical testing. Allele origin: germline.

GeneDx
Classification: Likely benign. Last evaluated: 2017-10-17. Review status: criteria provided, single submitter. Criteria: GeneDx Variant Classification (06012015). Collection method: clinical testing. Allele origin: germline. Affected: yes.
Comment: This variant is considered likely benign or benign based on one or more of the following criteria: it is a conservative change, it occurs at a poorly conserved position in the protein, it is predicted to be benign by multiple in silico algorithms, and/or has population frequency not consistent with disease.